The following is an entry in ClinVar:

ClinVar aggregate classification (germline): Uncertain significance. Review status: criteria provided, multiple submitters, no conflicts (2 of 4 stars). 3 submissions from 3 submitters: Uncertain significance (3). Last evaluated 2026-01-21.

Conditions:
Inborn genetic diseases. Identifiers: MedGen C0950123, MeSH D030342.

gnomAD v4.1: 3 of 1,092,206 alleles (0.00027%); highest among the groups gnomAD compares: Non-Finnish European, 0.00033%; no homozygotes.

Submissions (3):

Ambry Genetics
Classification: Uncertain significance for Inborn genetic diseases. Last evaluated: 2026-01-21. Review status: criteria provided, single submitter. Criteria: Ambry Variant Classification Scheme 2023. Collection method: clinical testing. Allele origin: germline.

Labcorp Genetics (formerly Invitae), Labcorp
Classification: Uncertain significance. Last evaluated: 2025-03-30. Review status: criteria provided, single submitter. Criteria: Invitae Variant Classification Sherloc (09022015). Collection method: clinical testing. Allele origin: germline.
Comment: This sequence change replaces histidine, which is basic and polar, with tyrosine, which is neutral and polar, at codon 181 of the MYCN protein (p.His181Tyr). This variant is not present in population databases (gnomAD no frequency). This variant has not been reported in the literature in individuals affected with MYCN-related conditions. Invitae Evidence Modeling of protein sequence and biophysical properties (such as structural, functional, and spatial information, amino acid conservation, physicochemical variation, residue mobility, and thermodynamic stability) indicates that this missense variant is not expected to disrupt MYCN protein function with a negative predictive value of 95%. In summary, the available evidence is currently insufficient to determine the role of this variant in disease. Therefore, it has been classified as a Variant of Uncertain Significance.

Blueprint Genetics
Classification: Uncertain significance. Last evaluated: 2020-10-16. Review status: criteria provided, single submitter. Criteria: ACMG Guidelines, 2015. Collection method: clinical testing. Allele origin: germline.

NM_005378.6(MYCN):c.541C>T (p.His181Tyr)

Gene: MYCN (MYCN proto-oncogene, bHLH transcription factor; plus strand). Cytogenetic location: 2p24.3.
Variant type: single nucleotide variant.
Coding change: c.541C>T on transcript NM_005378.6 (MANE Select); coding-DNA position 541, C replaced by T.
Protein change: p.His181Tyr; replaces histidine 181 with tyrosine.
Molecular consequence: missense variant. On other transcripts: 3 prime UTR variant (1), intron variant (1).
Genome position (GRCh38, 1-based): chr2:15,942,605, C>T. VCF-style: chr2-15942605-C-T. GRCh37 (hg19) VCF-style: chr2-16082727-C-T.
Other names: c.541C>T (NM_005378.4); c.541C>T, p.His181Tyr (NM_001293228.2); c.*476C>T (NM_001293233.2); c.157+1862C>T (NM_001293231.2); short protein forms H181Y.
Identifiers: ClinVar variation 4781017 (VCV004781017.3).